The following is an entry in ClinVar:

ClinVar aggregate classification (germline): Pathogenic (1 of 4 stars; one submission).

Conditions:
Severe combined immunodeficiency due to CORO1A deficiency. Also called: Immunodeficiency 8; IMMUNODEFICIENCY 8 WITH LYMPHOPROLIFERATION. Identifiers: Orphanet 228003, MedGen C3809383, MONDO:0014168, OMIM 615401.

Submission:

Lupski Lab, Baylor-Hopkins CMG, Baylor College of Medicine
Classification: Pathogenic for Severe combined immunodeficiency due to CORO1A deficiency. Last evaluated: 2014-07-30. Review status: criteria provided, single submitter. Criteria: Stray-Pedersen et al. (J Clin Immunol 2014). Collection method: research. Allele origin: inherited. Inheritance: Autosomal recessive inheritance. Affected: yes. Observed: 2 variant alleles, 2 compound heterozygotes.
Comment: segregates with the phenotype in an affected family

NM_007074.3(CORO1A):c.[1078delC];[248_249delCT]

Variant type: CompoundHeterozygote.
Identifiers: ClinVar variation 424756 (VCV000424756.1).